The following is an entry in ClinVar:

ClinVar aggregate classification (germline): Uncertain significance (1 of 4 stars; one submission).

Conditions:
Cystic fibrosis (CF). Also called: MUCOVISCIDOSIS. Identifiers: Orphanet 586, MedGen C0010674, MONDO:0009061, OMIM 219700. Disease mechanism: loss of function.

gnomAD v4.1: 1 of 1,613,986 alleles (0.000062%); no homozygotes.

Submission:

Ambry Genetics
Classification: Uncertain significance for Cystic fibrosis. Last evaluated: 2025-04-04. Review status: criteria provided, single submitter. Criteria: Ambry Variant Classification Scheme 2023. Collection method: clinical testing. Allele origin: germline.
Comment: The p.L235V variant (also known as c.703C>G), located in coding exon 6 of the CFTR gene, results from a C to G substitution at nucleotide position 703. The leucine at codon 235 is replaced by valine, an amino acid with highly similar properties. This amino acid position is conserved. In addition, this alteration is predicted to be tolerated by in silico analysis. Since supporting evidence is limited at this time, the clinical significance of this alteration remains unclear.

NM_000492.4(CFTR):c.703C>G (p.Leu235Val)

Gene: CFTR (CF transmembrane conductance regulator; plus strand). Cytogenetic location: 7q31.2.
Variant type: single nucleotide variant.
Coding change: c.703C>G on transcript NM_000492.4 (MANE Select); coding-DNA position 703, C replaced by G.
Protein change: p.Leu235Val; replaces leucine 235 with valine.
Molecular consequence: missense variant.
Genome position (GRCh38, 1-based): chr7:117,535,371, C>G. VCF-style: chr7-117535371-C-G. GRCh37 (hg19) VCF-style: chr7-117175425-C-G.
Other names: short protein forms L235V.
Identifiers: ClinVar variation 1756825 (VCV001756825.3), dbSNP rs994090172, ClinGen allele CA164945673.